The following is an entry in ClinVar:

ClinVar aggregate classification (germline): Uncertain significance. Review status: criteria provided, multiple submitters, no conflicts (2 of 4 stars). 2 submissions from 2 submitters: Uncertain significance (2). Last evaluated 2025-02-02.

Conditions:
Classic or attenuated familial adenomatous polyposis. Identifiers: MedGen CN372698, MONDO:0021057.
Familial adenomatous polyposis 1 (FAP1). Also called: POLYPOSIS, ADENOMATOUS INTESTINAL; FAMILIAL ADENOMATOUS POLYPOSIS 1, ATTENUATED. Identifiers: MedGen C2713442, MONDO:0021056, OMIM 175100. Disease mechanism: loss of function.

Submissions (2):

Labcorp Genetics (formerly Invitae), Labcorp
Classification: Uncertain significance for Familial adenomatous polyposis 1. Last evaluated: 2025-02-02. Review status: criteria provided, single submitter. Criteria: Invitae Variant Classification Sherloc (09022015). Collection method: clinical testing. Allele origin: germline.
Comment: This sequence change replaces serine, which is neutral and polar, with asparagine, which is neutral and polar, at codon 1421 of the APC protein (p.Ser1421Asn). This variant is not present in population databases (gnomAD no frequency). This variant has not been reported in the literature in individuals affected with APC-related conditions. ClinVar contains an entry for this variant (Variation ID: 2111711). Invitae Evidence Modeling of protein sequence and biophysical properties (such as structural, functional, and spatial information, amino acid conservation, physicochemical variation, residue mobility, and thermodynamic stability) indicates that this missense variant is not expected to disrupt APC protein function with a negative predictive value of 95%. In summary, the available evidence is currently insufficient to determine the role of this variant in disease. Therefore, it has been classified as a Variant of Uncertain Significance.

All of Us Research Program, National Institutes of Health
Classification: Uncertain significance for Classic or attenuated familial adenomatous polyposis. Last evaluated: 2022-11-28. Review status: criteria provided, single submitter. Criteria: ACMG Guidelines, 2015. Collection method: clinical testing. Allele origin: germline. Inheritance: Autosomal dominant inheritance. Observed: 1 variant allele, 1 heterozygote.
Comment: This study involves interpretation of variants in research participants for the purpose of population health screening. Participant phenotype was not available at the time of variant classification. Additional details can be found in publication PMID: 35346344, PMCID: PMC8962531

NM_000038.6(APC):c.4262G>A (p.Ser1421Asn)

Gene: APC (APC regulator of Wnt signaling pathway; plus strand). Cytogenetic location: 5q22.2.
Variant type: single nucleotide variant.
Coding change: c.4262G>A on transcript NM_000038.6 (MANE Select); coding-DNA position 4262, G replaced by A.
Protein change: p.Ser1421Asn; replaces serine 1421 with asparagine.
Molecular consequence: missense variant.
Genome position (GRCh38, 1-based): chr5:112,839,856, G>A. VCF-style: chr5-112839856-G-A. GRCh37 (hg19) VCF-style: chr5-112175553-G-A.
Other names: c.4262G>A, p.Ser1421Asn (NM_001127510.3, NM_001354895.2, NM_001407450.1); c.4208G>A, p.Ser1403Asn (NM_001127511.3); c.4316G>A, p.Ser1439Asn (NM_001354896.2, NM_001407447.1, NM_001407448.1 and 1 more transcripts); c.4292G>A, p.Ser1431Asn (NM_001354897.2); c.4187G>A, p.Ser1396Asn (NM_001354898.2); c.4178G>A, p.Ser1393Asn (NM_001354899.2); c.4139G>A, p.Ser1380Asn (NM_001354900.2); c.4085G>A, p.Ser1362Asn (NM_001354901.2, NM_001407453.1); and 11 more; short protein forms S1292N, S1338N, S1380N, S1403N, S1414N, S1330N, S1393N, S1396N.
Identifiers: ClinVar variation 2111711 (VCV002111711.5), dbSNP rs2149910251, ClinGen allele CA16030668.